The following is an entry in ClinVar:

NM_001370298.3(FGD4):c.*4192G>T

Gene: FGD4 (FYVE, RhoGEF and PH domain containing 4; plus strand). Cytogenetic location: 12p11.21.
Variant type: single nucleotide variant.
Coding change: c.*4192G>T on transcript NM_001370298.3 (MANE Select); 4192 bases downstream of the stop codon, G replaced by T.
Molecular consequence: 3 prime UTR variant.
Genome position (GRCh38, 1-based): chr12:32,644,725, G>T. VCF-style: chr12-32644725-G-T. GRCh37 (hg19) VCF-style: chr12-32797659-G-T.
Other names: c.*4192G>T (NM_001304481.2, NM_001304484.2, NM_001330373.2 and 5 more transcripts); c.*100G>T (NM_001384126.1, NM_001384127.1, NM_001384128.1).
Identifiers: ClinVar variation 881971 (VCV000881971.4), dbSNP rs77065831, ClinGen allele CA235251222.

ClinVar aggregate classification (germline): Benign (1 of 4 stars; one submission).

Conditions:
Charcot-Marie-Tooth disease type 4H (CMT4H). Also called: CHARCOT-MARIE-TOOTH DISEASE, AUTOSOMAL RECESSIVE, TYPE 4H; CHARCOT-MARIE-TOOTH DISEASE, DEMYELINATING, AUTOSOMAL RECESSIVE, TYPE 4H; CHARCOT-MARIE-TOOTH NEUROPATHY, TYPE 4H; CHARCOT-MARIE-TOOTH DISEASE, DEMYELINATING, TYPE 4H. Identifiers: Orphanet 99954, MedGen C1836336, MONDO:0012250, OMIM 609311.

Allele frequency attached by ClinVar (database versions not stated): gnomAD 0.00568 and 0.00605; TOPMed 0.00631; 1000 Genomes Project 0.00719; 1000 Genomes Project 30x 0.00781.

Submission:

Illumina Laboratory Services, Illumina
Classification: Benign for Charcot-Marie-Tooth disease type 4H. Last evaluated: 2018-01-13. Review status: criteria provided, single submitter. Criteria: ICSL Variant Classification Criteria 13 December 2019. Collection method: clinical testing. Allele origin: germline.
Comment: This variant was observed in the ICSL laboratory as part of a predisposition screen in an ostensibly healthy population. It had not been previously curated by ICSL or reported in the Human Gene Mutation Database (HGMD: prior to June 1st, 2018), and was therefore a candidate for classification through an automated scoring system. Utilizing variant allele frequency, disease prevalence and penetrance estimates, and inheritance mode, an automated score was calculated to assess if this variant is too frequent to cause the disease. Based on the score and internal cut-off values, a variant classified as benign is not then subjected to further curation. The score for this variant resulted in a classification of benign for this disease.